The following is an entry in ClinVar:

ClinVar aggregate classification (germline): Uncertain significance. Review status: criteria provided, multiple submitters, no conflicts (2 of 4 stars). 2 submissions from 2 submitters: Uncertain significance (2). Last evaluated 2025-02-24.

Conditions:
Autosomal dominant polycystic kidney disease. Identifiers: Orphanet 730, MedGen C0085413, MONDO:0004691.

Allele frequency attached by ClinVar (database versions not stated): TOPMed below 0.00001; ExAC 0.00001; gnomAD 0.00001.
gnomAD v4.1: 8 of 1,613,866 alleles (0.0005%); highest among the groups gnomAD compares: Admixed American, 0.0033%; no homozygotes.

Submissions (2):

Labcorp Genetics (formerly Invitae), Labcorp
Classification: Uncertain significance for Autosomal dominant polycystic kidney disease. Last evaluated: 2025-02-24. Review status: criteria provided, single submitter. Criteria: Invitae Variant Classification Sherloc (09022015). Collection method: clinical testing. Allele origin: germline.
Comment: This sequence change replaces glutamine, which is neutral and polar, with proline, which is neutral and non-polar, at codon 255 of the PKD2 protein (p.Gln255Pro). This variant is present in population databases (rs774698283, gnomAD 0.003%). This variant has not been reported in the literature in individuals affected with PKD2-related conditions. ClinVar contains an entry for this variant (Variation ID: 1896140). Invitae Evidence Modeling of protein sequence and biophysical properties (such as structural, functional, and spatial information, amino acid conservation, physicochemical variation, residue mobility, and thermodynamic stability) indicates that this missense variant is expected to disrupt PKD2 protein function with a positive predictive value of 80%. In summary, the available evidence is currently insufficient to determine the role of this variant in disease. Therefore, it has been classified as a Variant of Uncertain Significance.

Blueprint Genetics
Classification: Uncertain significance. Last evaluated: 2020-03-19. Review status: criteria provided, single submitter. Criteria: ACMG Guidelines, 2015. Collection method: clinical testing. Allele origin: germline.

NM_000297.4(PKD2):c.764A>C (p.Gln255Pro)

Gene: PKD2 (polycystin 2, transient receptor potential cation channel; plus strand). Cytogenetic location: 4q22.1.
Variant type: single nucleotide variant.
Coding change: c.764A>C on transcript NM_000297.4 (MANE Select); coding-DNA position 764, A replaced by C.
Protein change: p.Gln255Pro; replaces glutamine 255 with proline.
Molecular consequence: missense variant. On other transcripts: non-coding transcript variant (1).
Genome position (GRCh38, 1-based): chr4:88,036,274, A>C. VCF-style: chr4-88036274-A-C. GRCh37 (hg19) VCF-style: chr4-88957426-A-C.
Other names: short protein forms Q255P.
Identifiers: ClinVar variation 1896140 (VCV001896140.6), dbSNP rs774698283, ClinGen allele CA3003795.